The following is an entry in ClinVar:

ClinVar aggregate classification (germline): Conflicting classifications of pathogenicity. Review status: criteria provided, conflicting classifications (1 of 4 stars). 5 submissions from 5 submitters: Uncertain significance (4); Likely benign (1). Last evaluated 2025-10-01.

Conditions:
BRCA2-related cancer predisposition. Identifiers: MedGen CN377758, MONDO:0700269.
Hereditary breast ovarian cancer syndrome. Also called: Hereditary breast and ovarian cancer syndrome; Hereditary breast and ovarian cancer; Hereditary breast and ovarian cancer syndrome (HBOC); Breast and ovarian cancer; Hereditary breast and/or ovarian cancer syndrome; BRCA1- and BRCA2-Associated Hereditary Breast and Ovarian Cancer. Identifiers: Orphanet 145, MedGen C0677776, MeSH D061325, MONDO:0003582. Disease mechanism: loss of function.
Hereditary cancer-predisposing syndrome. Also called: Neoplastic Syndromes, Hereditary; Tumor predisposition; Hereditary neoplastic syndrome; Hereditary Cancer Syndrome. Identifiers: Orphanet 140162, MedGen C0027672, MeSH D009386, MONDO:0015356.

Allele frequency attached by ClinVar (database versions not stated): gnomAD exomes below 0.00001.
gnomAD v4.1: 2 of 1,613,052 alleles (0.00012%); highest among the groups gnomAD compares: African/African-American, 0.0013%; no homozygotes.

Submissions (5):

Labcorp Genetics (formerly Invitae), Labcorp
Classification: Uncertain significance for Hereditary breast ovarian cancer syndrome. Last evaluated: 2025-10-01. Review status: criteria provided, single submitter. Criteria: Invitae Variant Classification Sherloc (09022015). Collection method: clinical testing. Allele origin: germline.
Comment: This sequence change replaces threonine, which is neutral and polar, with isoleucine, which is neutral and non-polar, at codon 680 of the BRCA2 protein (p.Thr680Ile). This variant is not present in population databases (gnomAD no frequency). This variant has not been reported in the literature in individuals affected with BRCA2-related conditions. ClinVar contains an entry for this variant (Variation ID: 628047). Invitae Evidence Modeling of protein sequence and biophysical properties (such as structural, functional, and spatial information, amino acid conservation, physicochemical variation, residue mobility, and thermodynamic stability) indicates that this missense variant is not expected to disrupt BRCA2 protein function with a negative predictive value of 95%. In summary, the available evidence is currently insufficient to determine the role of this variant in disease. Therefore, it has been classified as a Variant of Uncertain Significance.

All of Us Research Program, National Institutes of Health
Classification: Uncertain significance for BRCA2-related cancer predisposition. Last evaluated: 2024-07-29. Review status: criteria provided, single submitter. Criteria: ACMG Guidelines, 2015. Collection method: clinical testing. Allele origin: germline. Inheritance: Autosomal dominant inheritance. Observed: 1 variant allele, 1 heterozygote.
Comment: This missense variant replaces threonine with isoleucine at codon 680 of the BRCA2 protein. Computational prediction suggests that this variant may not impact protein structure and function (internally defined REVEL score threshold <= 0.5, PMID: 27666373). To our knowledge, functional studies have not been reported for this variant. This variant has not been reported in individuals affected with BRCA2-related disorders in the literature. This variant has not been identified in the general population by the Genome Aggregation Database (gnomAD). The available evidence is insufficient to determine the role of this variant in disease conclusively. Therefore, this variant is classified as a Variant of Uncertain Significance.

This study involves interpretation of variants in research participants for the purpose of population health screening. Participant phenotype was not available at the time of variant classification. Additional details can be found in publication PMID: 35346344, PMCID: PMC8962531

Color Diagnostics, LLC DBA Color Health
Classification: Uncertain significance for Hereditary cancer-predisposing syndrome. Last evaluated: 2024-06-17. Review status: criteria provided, single submitter. Criteria: ACMG Guidelines, 2015. Collection method: clinical testing. Allele origin: germline.
Comment: This missense variant replaces threonine with isoleucine at codon 680 of the BRCA2 protein. Computational prediction suggests that this variant may not impact protein structure and function (internally defined REVEL score threshold <= 0.5, PMID: 27666373). To our knowledge, functional studies have not been reported for this variant. This variant has not been reported in individuals affected with BRCA2-related disorders in the literature. This variant has not been identified in the general population by the Genome Aggregation Database (gnomAD). The available evidence is insufficient to determine the role of this variant in disease conclusively. Therefore, this variant is classified as a Variant of Uncertain Significance.

University of Washington Department of Laboratory Medicine, University of Washington
Classification: Likely benign for Hereditary cancer-predisposing syndrome. Last evaluated: 2023-03-23. Review status: criteria provided, single submitter. Criteria: Dines et al. (Genet Med. 2020). Collection method: curation. Allele origin: germline.
Comment: Missense variant in a coldspot region where missense variants are very unlikely to be pathogenic (PMID:31911673).

BRCA2 exon 11 coldspot. Reclassification based on statistical prior probability.

Ambry Genetics
Classification: Uncertain significance for Hereditary cancer-predisposing syndrome. Last evaluated: 2021-01-29. Review status: criteria provided, single submitter. Criteria: Ambry Variant Classification Scheme 2023. Collection method: clinical testing. Allele origin: germline.
Comment: The p.T680I variant (also known as c.2039C>T), located in coding exon 10 of the BRCA2 gene, results from a C to T substitution at nucleotide position 2039. The threonine at codon 680 is replaced by isoleucine, an amino acid with similar properties. This amino acid position is poorly conserved in available vertebrate species. In addition, this alteration is predicted to be tolerated by in silico analysis. Since supporting evidence is limited at this time, the clinical significance of this alteration remains unclear.

NM_000059.4(BRCA2):c.2039C>T (p.Thr680Ile)

Gene: BRCA2 (BRCA2 DNA repair associated; plus strand). Cytogenetic location: 13q13.1.
Variant type: single nucleotide variant.
Coding change: c.2039C>T on transcript NM_000059.4 (MANE Select); coding-DNA position 2039, C replaced by T.
Protein change: p.Thr680Ile; replaces threonine 680 with isoleucine.
Molecular consequence: missense variant.
Genome position (GRCh38, 1-based): chr13:32,336,394, C>T. VCF-style: chr13-32336394-C-T. GRCh37 (hg19) VCF-style: chr13-32910531-C-T.
Other names: short protein forms T680I.
Identifiers: ClinVar variation 628047 (VCV000628047.20), dbSNP rs1566226005, ClinGen allele CA387768923.